The following is an entry in ClinVar:

NM_005360.5(MAF):c.715dup (p.Ala239fs)

Gene: MAF (MAF bZIP transcription factor; minus strand). Cytogenetic location: 16q23.2.
Variant type: Duplication.
Coding change: c.715dup on transcript NM_005360.5 (MANE Select); coding-DNA position 715, one base duplicated (G; older notation c.715dupG).
Protein change: p.Ala239fs; shifts the reading frame from alanine 239.
Molecular consequence: frameshift variant.
Genome position (GRCh38, 1-based): chr16:79,599,188, C duplicated on the plus strand (G on the coding strand, the reverse complement: MAF is on the minus strand). VCF-style (leftmost placement, unchanged base first): chr16-79599187-G-GC. GRCh37 (hg19) VCF-style: chr16-79633084-G-GC.
Other names: c.715dup, p.Ala239fs (NM_001031804.3); short protein forms A239fs.
Identifiers: ClinVar variation 4851797 (VCV004851797.1).

ClinVar aggregate classification (germline): Likely pathogenic (1 of 4 stars; one submission).

Submission:

Dasa
Classification: Likely pathogenic. Last evaluated: 2026-01-27. Review status: criteria provided, single submitter. Criteria: DASA Assertion Criteria. Collection method: clinical testing. Allele origin: germline.
Comment: NM_005360.5(MAF):c.715dup (p.Ala239Glyfs*137) introduces a premature termination codon predicted to result in loss of normal protein function. Loss-of-function is an established mechanism of disease for this gene. The variant is present at low frequency in population datasets. Based on the available data, this variant is classified as likely pathogenic.